The following is an entry in ClinVar:

ClinVar aggregate classification (germline): Conflicting classifications of pathogenicity. Review status: criteria provided, conflicting classifications (1 of 4 stars). 5 submissions from 5 submitters: Uncertain significance (4); Likely benign (1). Last evaluated 2025-12-24.

Conditions:
FLNC-related disorder. Also called: FLNC-related disorders; FLNC-related condition.
Myofibrillar myopathy 5. Also called: FILAMINOPATHY, AUTOSOMAL DOMINANT; Filaminopathy (type). Identifiers: Orphanet 171445, MedGen C1836050, MONDO:0012289, OMIM 609524.
Hypertrophic cardiomyopathy 26. Also called: Cardiomyopathy, familial hypertrophic, 26. Identifiers: Orphanet 75249, MedGen C4310749, MONDO:0014883, OMIM 617047.
Distal myopathy with posterior leg and anterior hand involvement. Also called: WILLIAMS DISTAL MYOPATHY. Identifiers: Orphanet 63273, MedGen C3279722, MONDO:0013550, OMIM 614065.
Cardiovascular phenotype. Identifiers: MedGen CN230736.

Allele frequency attached by ClinVar (database versions not stated): ExAC 0.00005; gnomAD 0.00005 and 0.00006; gnomAD exomes 0.00005 and 0.00006; TOPMed 0.00005.
gnomAD v4.1: 87 of 1,613,872 alleles (0.0054%); highest among the groups gnomAD compares: Middle Eastern, 0.033%; no homozygotes.

Submissions (5):

Labcorp Genetics (formerly Invitae), Labcorp
Classification: Likely benign for Distal myopathy with posterior leg and anterior hand involvement; Myofibrillar myopathy 5; Hypertrophic cardiomyopathy 26. Last evaluated: 2025-12-24. Review status: criteria provided, single submitter. Criteria: Invitae Variant Classification Sherloc (09022015). Collection method: clinical testing. Allele origin: germline.

PreventionGenetics, part of Exact Sciences
Classification: Uncertain significance for FLNC-related condition. Last evaluated: 2025-10-21. Review status: criteria provided, single submitter. Criteria: ACMG Guidelines, 2015. Collection method: clinical testing. Allele origin: germline.
Comment: The FLNC c.5791C>T variant is predicted to result in the amino acid substitution p.Arg1931Cys. This variant was reported in individuals with dilated cardiomyopathy (Herkert et al. 2018. PubMed ID: 29517769; Verdonschot et al. 2020. PubMed ID: 32112656). This variant is reported in 0.010% of alleles in individuals of East Asian descent in gnomAD. At this time, the clinical significance of this variant is uncertain due to the absence of conclusive functional and genetic evidence.

GeneDx
Classification: Uncertain significance. Last evaluated: 2023-12-15. Review status: criteria provided, single submitter. Criteria: GeneDx Variant Classification Process June 2021. Collection method: clinical testing. Allele origin: germline. Affected: yes.
Comment: Reported in an individual with muscle weakness and myalgia (PMID: 31127727); In silico analysis supports that this missense variant has a deleterious effect on protein structure/function; This variant is associated with the following publications: (PMID: 26555887, 32112656, 29517769, 30411535, 31127727)

Ambry Genetics
Classification: Uncertain significance for Cardiovascular phenotype. Last evaluated: 2023-12-04. Review status: criteria provided, single submitter. Criteria: Ambry Variant Classification Scheme 2023. Collection method: clinical testing. Allele origin: germline.
Comment: The p.R1931C variant (also known as c.5791C>T), located in coding exon 35 of the FLNC gene, results from a C to T substitution at nucleotide position 5791. The arginine at codon 1931 is replaced by cysteine, an amino acid with highly dissimilar properties. This variant has been detected in control cohorts; however, clinical details were limited (Janssens J et al. Acta Neuropathol Commun. 2015 Nov;3:68; Cui H et al. Mol Genet Genomic Med, 2018 11;6:1104-1113). This variant has also been seen in dilated cardiomyopathy cohorts; however, details were limited and, in one case, it co-occurred with a variant in another cardiac-related gene (Herkert JC et al. Genet. Med., 2018 11;20:1374-1386;Verdonschot JAJ et al. Hum Mutat. 2020 06;41(6):1091-1111; Lian H et al. J Transl Med, 2023 Jul;21:476). This amino acid position is not well conserved in available vertebrate species. In addition, the in silico prediction for this alteration is inconclusive. Since supporting evidence is limited at this time, the clinical significance of this alteration remains unclear.

Revvity Omics, Revvity
Classification: Uncertain significance. Last evaluated: 2020-06-03. Review status: criteria provided, single submitter. Criteria: ACMG Guidelines, 2015. Collection method: clinical testing. Allele origin: germline.

Literature cited by the submitters: PubMed 26555887 (cited by Ambry Genetics); PubMed 29517769 (cited by Ambry Genetics); PubMed 30411535 (cited by Ambry Genetics); PubMed 31127727 (cited by Ambry Genetics); PubMed 32112656 (cited by Ambry Genetics); PubMed 37461109 (cited by Ambry Genetics).

NM_001458.5(FLNC):c.5791C>T (p.Arg1931Cys)

Genes: FLNC-AS1 (FLNC antisense RNA 1; minus strand), FLNC (filamin C; plus strand). Cytogenetic location: 7q32.1.
Variant type: single nucleotide variant.
Coding change: c.5791C>T on transcript NM_001458.5 (MANE Select); coding-DNA position 5791, C replaced by T.
Protein change: p.Arg1931Cys; replaces arginine 1931 with cysteine.
Molecular consequence: missense variant.
Genome position (GRCh38, 1-based): chr7:128,851,577, C>T. VCF-style: chr7-128851577-C-T. GRCh37 (hg19) VCF-style: chr7-128491631-C-T.
Other names: c.5692C>T, p.Arg1898Cys (NM_001127487.2); short protein forms R1931C, R1898C.
Identifiers: ClinVar variation 452971 (VCV000452971.20), dbSNP rs562155863, ClinGen allele CA4475785.